The following is an entry in ClinVar:

ClinVar aggregate classification (germline): Uncertain significance (1 of 4 stars; one submission).

Submission:

Greenwood Genetic Center Diagnostic Laboratories, Greenwood Genetic Center
Classification: Uncertain significance. Last evaluated: 2025-03-25. Review status: criteria provided, single submitter. Criteria: ACMG Guidelines, 2015. Collection method: clinical testing. Allele origin: germline.
Comment: PM2, PP3

NM_001367534.1(CAMK2G):c.67G>A (p.Gly23Ser)

Gene: CAMK2G (calcium/calmodulin dependent protein kinase II gamma; minus strand). Cytogenetic location: 10q22.2.
Variant type: single nucleotide variant.
Coding change: c.67G>A on transcript NM_001367534.1 (MANE Select); coding-DNA position 67, G replaced by A.
Protein change: p.Gly23Ser; replaces glycine 23 with serine.
Molecular consequence: missense variant. On other transcripts: non-coding transcript variant (6), intron variant (3), 5 prime UTR variant (6).
Genome position (GRCh38, 1-based): chr10:73,873,082, C>T on the plus strand (G>A on the coding strand, the complement: CAMK2G is on the minus strand). VCF-style: chr10-73873082-C-T. GRCh37 (hg19) VCF-style: chr10-75632840-C-T.
Other names: c.67G>A, p.Gly23Ser (NM_001367544.1, NM_001367545.1, NM_001367546.1 and 28 more transcripts); c.66-23G>A (NM_001367532.1, NM_001367525.1, NM_001367514.1); c.-125G>A (NM_001367524.1, NM_001367537.1, NM_001367538.1 and 1 more transcripts); c.-505G>A (NM_001367540.1); c.-687G>A (NM_001367542.1); short protein forms G23S.
Identifiers: ClinVar variation 4850834 (VCV004850834.1).
Genomic context (GRCh38, chr10:73,873,082, plus strand): 5'-TTGCTGCGTACTCCTGCGTGGAGGTTTTCTTCACACACCTGCGGACCACAGAGAAAGCAC[C>T]CCTGGAGGGAGAAGGGGAAAAGAACTGGGACACGGAGCAGGGCAGAGTGACACAGACACA-3'
Protein context (NP_001354463.1, residues 13-33): DYQLFEELGK[Gly23Ser]AFSVVRRCVK